The following is an entry in ClinVar:

NC_012920.1(MT-ATP6):m.8932C>T

Gene: MT-ATP6 (mitochondrially encoded ATP synthase 6; plus strand).
Variant type: single nucleotide variant.
Genome position: chrM-8932-C-T.
Identifiers: ClinVar variation 235343 (VCV000235343.5), dbSNP rs878853013, ClinGen allele CA10581280.

ClinVar aggregate classification (germline): Benign. Review status: reviewed by expert panel (3 of 4 stars). 3 submissions from 3 submitters: Benign (1). 2 of the submissions do not count toward it. Last evaluated 2021-03-22.

Conditions:
Mitochondrial disease. Also called: Mitochondrial disorder; Mitochondrial disorders. Identifiers: Orphanet 68380, MedGen C0751651, MeSH D028361, MONDO:0044970.
Leigh syndrome (NULS). Also called: Leigh Disease; Subacute necrotizing encephalopathy; Necrotizing encephalopathy infantile subacute of Leigh; LEIGH SYNDROME, NUCLEAR; Leigh's syndrome; Leigh's necrotizing encephalopathy. Identifiers: Orphanet 506, MedGen C2931891, MONDO:0009723, OMIM 256000.

Submissions (3):

ClinGen Mitochondrial Disease Nuclear and Mitochondrial  Variant Curation Expert Panel, ClinGen
Classification: Benign for Mitochondrial disease. Last evaluated: 2021-03-22. Review status: reviewed by expert panel. Criteria: McCormick et al. (Hum Mutat. 2020). Collection method: curation. Allele origin: germline. Inheritance: Mitochondrial inheritance.
Comment: The m.8932C>T (p.P136S) variant in MT-ATP6 reaches benign stand-alone criteria (BA1) based on overall allele frequency [gnomAD.v3.1: Overall AF is 1.327% (759/56428); in top-level haplogroup L3, AF is 12.89% (731/5669) Mitomap: Overall AF in Mitomap is 0.399% (207/51863; in top-level haplogroup L3, AF is 9.73%. For the individuals in sub-group L3f, the frequency is 81% (205/253)]. Furthermore, this variant is reported in Phylotree as an L3f1b branch marker. There is one reported proband in the medical literature with this variant (PMID: 26993169), however when haplotyped by this curation team using the variants listed in the published report, the proband belonged to haplogroup L3f (haplogroup with which this variant is associated). In silico tools (APOGEE) predict this variant to be neutral (BP4). There are no cybrid or single fiber studies reported on this variant. In summary, this variant meets criteria to be classified as benign for primary mitochondrial disease inherited in a mitochondrial manner. However, if this variant is identified in an individual who is a member of a different haplogroup than described above, consider further evaluation of this variant. This classification was approved by the NICHD U24 Mitochondrial Disease Variant Curation Expert Panel on March 22, 2021. Mitochondrial DNA-specific ACMG/AMP criteria applied: BA1, BP4.

Wong Mito Lab, Molecular and Human Genetics, Baylor College of Medicine
Classification: Benign for Leigh syndrome. Last evaluated: 2019-10-17. Review status: criteria provided, single submitter. Criteria: Modified ACMG Guidelines (Unpublished). Collection method: clinical testing. Allele origin: germline. Not counted in ClinVar's aggregate classification.
Comment: The NC_012920.1:m.8932C>T (YP_003024031.1:p.Pro136Ser) variant in MTATP6 gene is interpretated to be a Benign variant based on the modified ACMG guidelines (unpublished). This variant meets the following evidence codes: BS1, BS2

Center for Pediatric Genomic Medicine, Children's Mercy Hospital and Clinics
Classification: Likely benign. Last evaluated: 2016-03-18. Review status: criteria provided, single submitter. Criteria: ACMG Guidelines, 2015. Collection method: clinical testing. Allele origin: germline. Not counted in ClinVar's aggregate classification.
ClinVar note: Converted during submission from Likely Benign to Likely benign.